The following is an entry in ClinVar:

NM_002608.4(PDGFB):c.283G>A (p.Ala95Thr)

Gene: PDGFB (platelet derived growth factor subunit B; minus strand). Cytogenetic location: 22q13.1.
Variant type: single nucleotide variant.
Coding change: c.283G>A on transcript NM_002608.4 (MANE Select); coding-DNA position 283, G replaced by A.
Protein change: p.Ala95Thr; replaces alanine 95 with threonine.
Molecular consequence: missense variant.
Genome position (GRCh38, 1-based): chr22:39,231,795, C>T on the plus strand (G>A on the coding strand, the complement: PDGFB is on the minus strand). VCF-style: chr22-39231795-C-T. GRCh37 (hg19) VCF-style: chr22-39627800-C-T.
Other names: c.238G>A, p.Ala80Thr (NM_033016.3); short protein forms A80T, A95T.
Identifiers: ClinVar variation 4538573 (VCV004538573.1).

ClinVar aggregate classification (germline): Uncertain significance (1 of 4 stars; one submission).

gnomAD v4.1: 11 of 1,613,410 alleles (0.00068%); highest among the groups gnomAD compares: Non-Finnish European, 0.00025%; no homozygotes.

Submission:

GeneDx
Classification: Uncertain significance. Last evaluated: 2025-06-22. Review status: criteria provided, single submitter. Criteria: GeneDx Variant Classification Process June 2021. Collection method: clinical testing. Allele origin: germline. Affected: yes.
Comment: Reported in a patient in published literature from a cohort of individuals with primary familial brain calcification; however, detailed clinical information was not provided (PMID: 26129893); Not observed at significant frequency in large population cohorts (gnomAD); In silico analysis supports that this missense variant has a deleterious effect on protein structure/function; This variant is associated with the following publications: (PMID: 28935882, 38156729, 26129893)